The following is an entry in ClinVar:

NM_005413.4(SIX3):c.86T>C (p.Leu29Pro)

Gene: SIX3 (SIX homeobox 3; plus strand). Cytogenetic location: 2p21.
Variant type: single nucleotide variant.
Coding change: c.86T>C on transcript NM_005413.4 (MANE Select); coding-DNA position 86, T replaced by C.
Protein change: p.Leu29Pro; replaces leucine 29 with proline.
Molecular consequence: missense variant.
Genome position (GRCh38, 1-based): chr2:44,942,190, T>C. VCF-style: chr2-44942190-T-C. GRCh37 (hg19) VCF-style: chr2-45169329-T-C.
Other names: short protein forms L29P.
Identifiers: ClinVar variation 2071436 (VCV002071436.5), dbSNP rs181010373, ClinGen allele CA1642254.

ClinVar aggregate classification (germline): Conflicting classifications of pathogenicity. Review status: criteria provided, conflicting classifications (1 of 4 stars). 2 submissions from 2 submitters: Uncertain significance (1); Likely benign (1). Last evaluated 2022-09-22.

Conditions:
Holoprosencephaly 2 (HPE2). Identifiers: Orphanet 2162, MedGen C1834877, MONDO:0007999, OMIM 157170.
Inborn genetic diseases. Identifiers: MedGen C0950123, MeSH D030342.

Allele frequency attached by ClinVar (database versions not stated): ESP Exome Variant Server 0.00009; gnomAD 0.00002; ExAC 0.00004; 1000 Genomes Project 30x 0.00016; TOPMed 0.00001; 1000 Genomes Project 0.00020; gnomAD exomes 0.00004.
gnomAD v4.1: 62 of 1,596,190 alleles (0.0039%); highest among the groups gnomAD compares: South Asian, 0.052%; 1 homozygote.

Submissions (2):

Labcorp Genetics (formerly Invitae), Labcorp
Classification: Uncertain significance for Holoprosencephaly 2. Last evaluated: 2022-09-22. Review status: criteria provided, single submitter. Criteria: Invitae Variant Classification Sherloc (09022015). Collection method: clinical testing. Allele origin: germline.
Comment: In summary, the available evidence is currently insufficient to determine the role of this variant in disease. Therefore, it has been classified as a Variant of Uncertain Significance. Algorithms developed to predict the effect of missense changes on protein structure and function are either unavailable or do not agree on the potential impact of this missense change (SIFT: "Tolerated"; PolyPhen-2: "Possibly Damaging"; Align-GVGD: "Class C0"). This variant has not been reported in the literature in individuals affected with SIX3-related conditions. This variant is present in population databases (rs181010373, gnomAD 0.05%), and has an allele count higher than expected for a pathogenic variant. This sequence change replaces leucine, which is neutral and non-polar, with proline, which is neutral and non-polar, at codon 29 of the SIX3 protein (p.Leu29Pro).

Ambry Genetics
Classification: Likely benign for Inborn genetic diseases. Last evaluated: 2022-05-10. Review status: criteria provided, single submitter. Criteria: Ambry Variant Classification Scheme 2023. Collection method: clinical testing. Allele origin: germline.